The following is an entry in ClinVar:

NM_201384.3(PLEC):c.7520G>C (p.Arg2507Pro)

Gene: PLEC (plectin; minus strand). Cytogenetic location: 8q24.3.
Variant type: single nucleotide variant.
Coding change: c.7520G>C on transcript NM_201384.3 (MANE Select); coding-DNA position 7520, G replaced by C.
Protein change: p.Arg2507Pro; replaces arginine 2507 with proline.
Molecular consequence: missense variant.
Genome position (GRCh38, 1-based): chr8:143,922,301, C>G on the plus strand (G>C on the coding strand, the complement: PLEC is on the minus strand). VCF-style: chr8-143922301-C-G. GRCh37 (hg19) VCF-style: chr8-144996469-C-G.
Other names: c.7601G>C, p.Arg2534Pro (NM_000445.5); c.4220G>C, p.Arg1407Pro (NM_001410941.1); c.7478G>C, p.Arg2493Pro (NM_201378.4); c.7454G>C, p.Arg2485Pro (NM_201379.3); c.7931G>C, p.Arg2644Pro (NM_201380.4); c.7424G>C, p.Arg2475Pro (NM_201381.3); c.7520G>C, p.Arg2507Pro (NM_201382.4); c.7532G>C, p.Arg2511Pro (NM_201383.3); short protein forms R2493P, R2534P, R2475P, R2485P, R2507P, R1407P, R2511P, R2644P.
Identifiers: ClinVar variation 2190729 (VCV002190729.4), dbSNP rs782232833, ClinGen allele CA372524730.

ClinVar aggregate classification (germline): Uncertain significance (1 of 4 stars; one submission).

Conditions:
Epidermolysis bullosa simplex with nail dystrophy (EBS5D). Identifiers: MedGen C4225309, MONDO:0014661, OMIM 616487.
Epidermolysis bullosa simplex 5B, with muscular dystrophy (EBS5B). Also called: EPIDERMOLYSIS BULLOSA SIMPLEX AND LIMB-GIRDLE MUSCULAR DYSTROPHY; Epidermolysis bullosa simplex with muscular dystrophy. Identifiers: Orphanet 257, MedGen C2931072, MONDO:0009181, OMIM 226670.
Epidermolysis bullosa simplex, Ogna type (EBS5A). Also called: Pidermolysis bullosa simplex 5A, Ogna type; EPIDERMOLYSIS BULLOSA SIMPLEX 5A, OGNA TYPE. Identifiers: Orphanet 79401, MedGen C0432317, MONDO:0007555, OMIM 131950.
Epidermolysis bullosa simplex 5C, with pyloric atresia (EBS5C). Also called: Epidermolysis bullosa simplex with pyloric atresia; PLEC-Related Epidermolysis Bullosa with Pyloric Atresia; PLEC1-Related Epidermolysis Bullosa with Pyloric Atresia. Identifiers: Orphanet 158684, MedGen C2677349, MONDO:0012807, OMIM 612138.
Autosomal recessive limb-girdle muscular dystrophy type 2Q (LGMDR17). Also called: MUSCULAR DYSTROPHY, LIMB-GIRDLE, AUTOSOMAL RECESSIVE 17. Identifiers: Orphanet 254361, MedGen C3150989, MONDO:0013390, OMIM 613723.

Submission:

Labcorp Genetics (formerly Invitae), Labcorp
Classification: Uncertain significance for Autosomal recessive limb-girdle muscular dystrophy type 2Q; Epidermolysis bullosa simplex, Ogna type; Epidermolysis bullosa simplex with nail dystrophy; Epidermolysis bullosa simplex 5C, with pyloric atresia; Epidermolysis bullosa simplex 5B, with muscular dystrophy. Last evaluated: 2022-07-25. Review status: criteria provided, single submitter. Criteria: Invitae Variant Classification Sherloc (09022015). Collection method: clinical testing. Allele origin: germline.
Comment: In summary, the available evidence is currently insufficient to determine the role of this variant in disease. Therefore, it has been classified as a Variant of Uncertain Significance. Algorithms developed to predict the effect of missense changes on protein structure and function are either unavailable or do not agree on the potential impact of this missense change (SIFT: "Deleterious"; PolyPhen-2: "Probably Damaging"; Align-GVGD: "Class C0"). This variant has not been reported in the literature in individuals affected with PLEC-related conditions. This variant is not present in population databases (gnomAD no frequency). This sequence change replaces arginine, which is basic and polar, with proline, which is neutral and non-polar, at codon 2534 of the PLEC protein (p.Arg2534Pro).